The following is an entry in ClinVar:

NM_001943.5(DSG2):c.1533G>C (p.Glu511Asp)

Gene: DSG2 (desmoglein 2; plus strand). Cytogenetic location: 18q12.1.
Variant type: single nucleotide variant.
Coding change: c.1533G>C on transcript NM_001943.5 (MANE Select); coding-DNA position 1533, G replaced by C.
Protein change: p.Glu511Asp; replaces glutamic acid 511 with aspartic acid.
Molecular consequence: missense variant.
Genome position (GRCh38, 1-based): chr18:31,536,311, G>C. VCF-style: chr18-31536311-G-C. GRCh37 (hg19) VCF-style: chr18-29116274-G-C.
Other names: short protein forms E511D.
Identifiers: ClinVar variation 1952038 (VCV001952038.7), dbSNP rs754553761, ClinGen allele CA402141674.

ClinVar aggregate classification (germline): Uncertain significance. Review status: criteria provided, multiple submitters, no conflicts (2 of 4 stars). 2 submissions from 2 submitters: Uncertain significance (2). Last evaluated 2023-07-27.

Conditions:
Cardiovascular phenotype. Identifiers: MedGen CN230736.
Arrhythmogenic right ventricular dysplasia 10. Also called: ARRHYTHMOGENIC RIGHT VENTRICULAR DYSPLASIA, FAMILIAL, 10; Arrhythmogenic Right Ventricular Dysplasia/Cardiomyopathy10; Arrhythmogenic right ventricular dysplasia/cardiomyopathy, type 10. Identifiers: MedGen C1857777, MONDO:0012434, OMIM 610193.

Submissions (2):

Ambry Genetics
Classification: Uncertain significance for Cardiovascular phenotype. Last evaluated: 2023-07-27. Review status: criteria provided, single submitter. Criteria: Ambry Variant Classification Scheme 2023. Collection method: clinical testing. Allele origin: germline.
Comment: The p.E511D variant (also known as c.1533G>C), located in coding exon 11 of the DSG2 gene, results from a G to C substitution at nucleotide position 1533. The glutamic acid at codon 511 is replaced by aspartic acid, an amino acid with highly similar properties. This amino acid position is conserved. In addition, this alteration is predicted to be tolerated by in silico analysis. Since supporting evidence is limited at this time, the clinical significance of this alteration remains unclear.

Labcorp Genetics (formerly Invitae), Labcorp
Classification: Uncertain significance for Arrhythmogenic right ventricular dysplasia 10. Last evaluated: 2022-06-14. Review status: criteria provided, single submitter. Criteria: Invitae Variant Classification Sherloc (09022015). Collection method: clinical testing. Allele origin: germline.
Comment: This variant has not been reported in the literature in individuals affected with DSG2-related conditions. Algorithms developed to predict the effect of missense changes on protein structure and function (SIFT, PolyPhen-2, Align-GVGD) all suggest that this variant is likely to be tolerated. In summary, the available evidence is currently insufficient to determine the role of this variant in disease. Therefore, it has been classified as a Variant of Uncertain Significance. This variant is not present in population databases (gnomAD no frequency). This sequence change replaces glutamic acid, which is acidic and polar, with aspartic acid, which is acidic and polar, at codon 511 of the DSG2 protein (p.Glu511Asp).